The following is an entry in ClinVar:

ClinVar aggregate classification (germline): Uncertain significance (1 of 4 stars; one submission).

Allele frequency attached by ClinVar (database versions not stated): gnomAD exomes below 0.00001 and 0.00001; ExAC 0.00001; gnomAD 0.00001; TOPMed 0.00001.
gnomAD v4.1: 14 of 1,614,088 alleles (0.00087%); highest among the groups gnomAD compares: Non-Finnish European, 0.0011%; no homozygotes.

Submission:

Labcorp Genetics (formerly Invitae), Labcorp
Classification: Uncertain significance. Last evaluated: 2025-03-03. Review status: criteria provided, single submitter. Criteria: Invitae Variant Classification Sherloc (09022015). Collection method: clinical testing. Allele origin: germline.
Comment: This sequence change replaces methionine, which is neutral and non-polar, with valine, which is neutral and non-polar, at codon 726 of the MCM4 protein (p.Met726Val). This variant is present in population databases (rs775694404, gnomAD 0.0009%). This variant has not been reported in the literature in individuals affected with MCM4-related conditions. ClinVar contains an entry for this variant (Variation ID: 1433301). Invitae Evidence Modeling of protein sequence and biophysical properties (such as structural, functional, and spatial information, amino acid conservation, physicochemical variation, residue mobility, and thermodynamic stability) indicates that this missense variant is not expected to disrupt MCM4 protein function with a negative predictive value of 80%. In summary, the available evidence is currently insufficient to determine the role of this variant in disease. Therefore, it has been classified as a Variant of Uncertain Significance.

NM_182746.3(MCM4):c.2176A>G (p.Met726Val)

Gene: MCM4 (minichromosome maintenance complex component 4; plus strand). Cytogenetic location: 8q11.21.
Variant type: single nucleotide variant.
Coding change: c.2176A>G on transcript NM_182746.3 (MANE Select); coding-DNA position 2176, A replaced by G.
Protein change: p.Met726Val; replaces methionine 726 with valine.
Molecular consequence: missense variant.
Genome position (GRCh38, 1-based): chr8:47,974,773, A>G. VCF-style: chr8-47974773-A-G. GRCh37 (hg19) VCF-style: chr8-48887333-A-G.
Other names: c.2176A>G, p.Met726Val (NM_005914.4); short protein forms M726V.
Identifiers: ClinVar variation 1433301 (VCV001433301.4), dbSNP rs775694404, ClinGen allele CA4742846.
Genomic context (GRCh38, chr8:47,974,773, plus strand): 5'-TTGTTTTTCTACCTACAATAGGCTTATGTAGACATGAGGAAGATTGGCAGTAGCCGGGGA[A>G]TGGTTTCTGCATACCCTCGACAGCTAGAGTCATTAATCCGCTTAGCAGAAGCCCATGCTA-3'
Protein context (NP_877423.1, residues 716-736): DMRKIGSSRG[Met726Val]VSAYPRQLES